The following is an entry in ClinVar:

ClinVar aggregate classification (germline): Uncertain significance (1 of 4 stars; one submission).

Submission:

GeneDx
Classification: Uncertain significance. Last evaluated: 2026-03-10. Review status: criteria provided, single submitter. Criteria: GeneDx Variant Classification Process June 2021. Collection method: clinical testing. Allele origin: germline.
Comment: Not observed at significant frequency in large population cohorts (gnomAD); In silico analysis suggests that this missense variant does not alter protein structure/function; Has not been previously published as pathogenic or benign to our knowledge.

NM_014112.5(TRPS1):c.622G>A (p.Val208Ile)

Gene: TRPS1 (transcriptional repressor GATA binding 1; minus strand). Cytogenetic location: 8q23.3.
Variant type: single nucleotide variant.
Coding change: c.622G>A on transcript NM_014112.5 (MANE Select); coding-DNA position 622, G replaced by A.
Protein change: p.Val208Ile; replaces valine 208 with isoleucine.
Molecular consequence: missense variant.
Genome position (GRCh38, 1-based): chr8:115,619,476, C>T on the plus strand (G>A on the coding strand, the complement: TRPS1 is on the minus strand). VCF-style: chr8-115619476-C-T. GRCh37 (hg19) VCF-style: chr8-116631703-C-T.
Other names: c.595G>A, p.Val199Ile (NM_001282902.3); c.601G>A, p.Val201Ile (NM_001282903.3); c.583G>A, p.Val195Ile (NM_001330599.2); short protein forms V208I, V195I, V199I, V201I.
Identifiers: ClinVar variation 5008519 (VCV005008519.1).
Genomic context (GRCh38, chr8:115,619,476, plus strand): 5'-GAGGTGCCGGGTCTGGGTTGTCATTCACCAGTAAGTCAGTTTTGGATTTATTCAGTCTTA[C>T]ACCCCCATCTGAAGGCACTTGTGGGTTTTTTGAGGCCACTGAAACTGGGCTCAAACCTTG-3'
Protein context (NP_054831.2, residues 198-218): KNPQVPSDGG[Val208Ile]RLNKSKTDLL